The following is an entry in ClinVar:

ClinVar aggregate classification (germline): Benign. Review status: criteria provided, multiple submitters, no conflicts (2 of 4 stars). 3 submissions from 3 submitters: Benign (2). 1 of the submissions does not count toward it. Last evaluated 2025-11-30.

Conditions:
KRT6B-related disorder. Also called: KRT6B-related condition.

Allele frequency attached by ClinVar (database versions not stated): gnomAD exomes 0.00137 and 0.00373; ExAC 0.00454; 1000 Genomes Project 0.01298; gnomAD 0.01526 and 0.01646; 1000 Genomes Project 30x 0.01530; TOPMed 0.01744; ESP Exome Variant Server 0.01784.
gnomAD v4.1: 4,421 of 1,614,210 alleles (0.27%); highest among the groups gnomAD compares: African/African-American, 5.2%; 122 homozygotes.

Submissions (3):

Labcorp Genetics (formerly Invitae), Labcorp
Classification: Benign. Last evaluated: 2025-11-30. Review status: criteria provided, single submitter. Criteria: Invitae Variant Classification Sherloc (09022015). Collection method: clinical testing. Allele origin: germline.

Breakthrough Genomics
Classification: Benign. Review status: criteria provided, single submitter. Criteria: ACMG Guidelines, 2015. Collection method: not provided. Allele origin: germline. Inheritance: Autosomal dominant inheritance. Affected: yes.

PreventionGenetics, part of Exact Sciences
Classification: Benign for KRT6B-related condition. Last evaluated: 2019-07-11. Review status: no assertion criteria provided. Collection method: clinical testing. Allele origin: germline. Not counted in ClinVar's aggregate classification.
Comment: This variant is classified as benign based on ACMG/AMP sequence variant interpretation guidelines (Richards et al. 2015 PMID: 25741868, with internal and published modifications).

NM_005555.4(KRT6B):c.913-7T>C

Gene: KRT6B (keratin 6B; minus strand). Cytogenetic location: 12q13.13.
Variant type: single nucleotide variant.
Coding change: c.913-7T>C on transcript NM_005555.4 (MANE Select); 7 bases into the intron before coding-DNA position 913, T replaced by C.
Molecular consequence: intron variant.
Genome position (GRCh38, 1-based): chr12:52,449,640, A>G on the plus strand (T>C on the coding strand, the complement: KRT6B is on the minus strand). VCF-style: chr12-52449640-A-G. GRCh37 (hg19) VCF-style: chr12-52843424-A-G.
Identifiers: ClinVar variation 790657 (VCV000790657.12), dbSNP rs146034933, ClinGen allele CA6580609.